The following is an entry in ClinVar:

NM_004958.4(MTOR):c.6797G>A (p.Arg2266His)

Gene: MTOR (mechanistic target of rapamycin kinase; minus strand). Cytogenetic location: 1p36.22.
Variant type: single nucleotide variant.
Coding change: c.6797G>A on transcript NM_004958.4 (MANE Select); coding-DNA position 6797, G replaced by A.
Protein change: p.Arg2266His; replaces arginine 2266 with histidine.
Molecular consequence: missense variant.
Genome position (GRCh38, 1-based): chr1:11,121,992, C>T on the plus strand (G>A on the coding strand, the complement: MTOR is on the minus strand). VCF-style: chr1-11121992-C-T. GRCh37 (hg19) VCF-style: chr1-11182049-C-T.
Other names: c.6797G>A, p.Arg2266His (NM_001386500.1); c.5549G>A, p.Arg1850His (NM_001386501.1); short protein forms R2266H, R1850H.
Identifiers: ClinVar variation 2704111 (VCV002704111.3), dbSNP rs1463184901, ClinGen allele CA338385726.
Genomic context (GRCh38, chr1:11,121,992, plus strand): 5'-TTCCCTGCCACGGAAGGGGCACTAGCTCTCGTGGCCGCATCACATACCCGCAACATGATG[C>T]GATGCTCGATGTTGAGAAGGATCTTCTTCTTCTCCCTGTAGTCCCGGATGAGGGCGTGCA-3'
Protein context (NP_004949.1, residues 2256-2276): KKKILLNIEH[Arg2266His]IMLRMAPDYD

ClinVar aggregate classification (germline): Uncertain significance (1 of 4 stars; one submission).

Allele frequency attached by ClinVar (database versions not stated): gnomAD exomes below 0.00001.
gnomAD v4.1: 4 of 1,614,000 alleles (0.00025%); highest among the groups gnomAD compares: Non-Finnish European, 0.00034%; no homozygotes.

Submission:

Labcorp Genetics (formerly Invitae), Labcorp
Classification: Uncertain significance. Last evaluated: 2025-08-04. Review status: criteria provided, single submitter. Criteria: Invitae Variant Classification Sherloc (09022015). Collection method: clinical testing. Allele origin: germline.
Comment: This sequence change replaces arginine, which is basic and polar, with histidine, which is basic and polar, at codon 2266 of the MTOR protein (p.Arg2266His). This variant is not present in population databases (gnomAD no frequency). This missense change has been observed in individual(s) with autism spectrum disorder (PMID: 35982159, 35982160). This variant is also known as chr1: 11121992G>A. ClinVar contains an entry for this variant (Variation ID: 2704111). Invitae Evidence Modeling of protein sequence and biophysical properties (such as structural, functional, and spatial information, amino acid conservation, physicochemical variation, residue mobility, and thermodynamic stability) indicates that this missense variant is not expected to disrupt MTOR protein function with a negative predictive value of 95%. In summary, the available evidence is currently insufficient to determine the role of this variant in disease. Therefore, it has been classified as a Variant of Uncertain Significance.

Literature cited by the submitters: PubMed 35982159; PubMed 35982160.